The following is an entry in ClinVar:

NM_000093.5(COL5A1):c.2800-18dup

Gene: COL5A1 (collagen type V alpha 1 chain; plus strand). Cytogenetic location: 9q34.3.
Variant type: Duplication.
Coding change: c.2800-18dup on transcript NM_000093.5 (MANE Select); 18 bases into the intron before coding-DNA position 2800, one base duplicated (C; older notation c.2800-18dupC).
Molecular consequence: intron variant.
Genome position (GRCh38, 1-based): chr9:134,796,356, C duplicated; the last of 6 consecutive C bases (chr9:134,796,351-134,796,356); duplicating any one gives the same sequence. VCF-style (leftmost placement, unchanged base first): chr9-134796350-T-TC. GRCh37 (hg19) VCF-style: chr9-137688196-T-TC.
Other names: c.2800-18dup (NM_001278074.1).
Identifiers: ClinVar variation 668159 (VCV000668159.1), dbSNP rs749260939, ClinGen allele CA591115370.

ClinVar aggregate classification (germline): Likely benign (1 of 4 stars; one submission).

Submission:

GeneDx
Classification: Likely benign. Last evaluated: 2018-05-07. Review status: criteria provided, single submitter. Criteria: GeneDx Variant Classification (06012015). Collection method: clinical testing. Allele origin: germline. Affected: yes.
Comment: This variant is considered likely benign or benign based on one or more of the following criteria: it is a conservative change, it occurs at a poorly conserved position in the protein, it is predicted to be benign by multiple in silico algorithms, and/or has population frequency not consistent with disease.